The following is an entry in ClinVar:

NM_025000.4(DCAF17):c.350A>G (p.Tyr117Cys)

Gene: DCAF17 (DDB1 and CUL4 associated factor 17; plus strand). Cytogenetic location: 2q31.1.
Variant type: single nucleotide variant.
Coding change: c.350A>G on transcript NM_025000.4 (MANE Select); coding-DNA position 350, A replaced by G.
Protein change: p.Tyr117Cys; replaces tyrosine 117 with cysteine.
Molecular consequence: missense variant. On other transcripts: non-coding transcript variant (1).
Genome position (GRCh38, 1-based): chr2:171,448,709, A>G. VCF-style: chr2-171448709-A-G. GRCh37 (hg19) VCF-style: chr2-172305219-A-G.
Other names: c.350A>G, p.Tyr117Cys (NM_001164821.2); short protein forms Y117C.
Identifiers: ClinVar variation 1421896 (VCV001421896.7), dbSNP rs776877044, ClinGen allele CA1964647.

ClinVar aggregate classification (germline): Uncertain significance. Review status: criteria provided, multiple submitters, no conflicts (2 of 4 stars). 2 submissions from 2 submitters: Uncertain significance (2). Last evaluated 2024-01-22.

Conditions:
Woodhouse-Sakati syndrome. Also called: EXTRAPYRAMIDAL DISORDER, PROGRESSIVE, WITH PRIMARY HYPOGONADISM, MENTAL RETARDATION, AND ALOPECIA; Hypogonadism, Alopecia, Diabetes Mellitus, Mental Retardation, and Extrapyramidal Syndrome; Hypogonadism, diabetes mellitus, alopecia, mental retardation and electrocardiographic abnormalities. Identifiers: Orphanet 3464, MedGen C0342286, MONDO:0009419, OMIM 241080.

Allele frequency attached by ClinVar (database versions not stated): ExAC 0.00002; gnomAD exomes 0.00002 and 0.00003; TOPMed 0.00002.
gnomAD v4.1: 36 of 1,610,614 alleles (0.0022%); highest among the groups gnomAD compares: Non-Finnish European, 0.0029%; no homozygotes.

Submissions (2):

Labcorp Genetics (formerly Invitae), Labcorp
Classification: Uncertain significance for Woodhouse-Sakati syndrome. Last evaluated: 2024-01-22. Review status: criteria provided, single submitter. Criteria: Invitae Variant Classification Sherloc (09022015). Collection method: clinical testing. Allele origin: germline.
Comment: This sequence change replaces tyrosine, which is neutral and polar, with cysteine, which is neutral and slightly polar, at codon 117 of the DCAF17 protein (p.Tyr117Cys). This variant is present in population databases (rs776877044, gnomAD 0.004%). This variant has not been reported in the literature in individuals affected with DCAF17-related conditions. ClinVar contains an entry for this variant (Variation ID: 1421896). Advanced modeling of protein sequence and biophysical properties (such as structural, functional, and spatial information, amino acid conservation, physicochemical variation, residue mobility, and thermodynamic stability) performed at Invitae indicates that this missense variant is not expected to disrupt DCAF17 protein function with a negative predictive value of 80%. In summary, the available evidence is currently insufficient to determine the role of this variant in disease. Therefore, it has been classified as a Variant of Uncertain Significance.

Department of Pathology and Laboratory Medicine, Sinai Health System
Classification: Uncertain significance for Woodhouse-Sakati syndrome. Last evaluated: 2021-12-16. Review status: criteria provided, single submitter. Criteria: ACMG Guidelines, 2015. Collection method: research. Allele origin: germline.